The following is an entry in ClinVar:

NM_002435.3(MPI):c.339_342dup (p.Lys115Ter)

Gene: MPI (mannose phosphate isomerase; plus strand). Cytogenetic location: 15q24.1.
Variant type: Duplication.
Coding change: c.339_342dup on transcript NM_002435.3 (MANE Select); coding-DNA positions 339 to 342, 4 bases duplicated (TAAC; older notation c.339_342dupTAAC).
Protein change: p.Lys115Ter; replaces lysine 115 with a stop codon.
Molecular consequence: nonsense.
Genome position (GRCh38, 1-based): chr15:74,891,573-74,891,576, TAAC duplicated; duplicating any 4 consecutive bases within chr15:74,891,572-74,891,576 gives the same sequence; the c. name uses the placement nearest the transcript's 3' end. VCF-style (leftmost placement, unchanged base first): chr15-74891571-C-CCTAA. GRCh37 (hg19) VCF-style: chr15-75183912-C-CCTAA.
Other names: c.339_342dupTAAC (NM_002435.2); c.339_342dup, p.Lys115Ter (NM_001289155.2, NM_001289157.2); c.189_192dup, p.Lys65Ter (NM_001289156.2); c.279_282dup, p.Lys95Ter (NM_001330372.2); short protein forms K115*, K65*, K95*.
Identifiers: ClinVar variation 1324729 (VCV001324729.11), dbSNP rs1661886822, ClinGen allele CA2187895778.
Genomic context (GRCh38, chr15:74,891,571, plus strand): 5'-AACCTGCCCTTCCTCTTCAAAGTGCTCTCAGTTGAAACACCCCTGTCCATCCAGGCACAC[C>CCTAA]CTAACAAGGTAAAGGACAGAGTGCGGTGCAGAGGTCAGGGTACAGAAGGGCTTATGCTAA-3'

ClinVar aggregate classification (germline): Pathogenic/Likely pathogenic. Review status: criteria provided, multiple submitters, no conflicts (2 of 4 stars). 5 submissions from 5 submitters: Pathogenic (1); Likely pathogenic (4). Last evaluated 2024-11-11.

Conditions:
MPI-congenital disorder of glycosylation. Also called: CONGENITAL DISORDER OF GLYCOSYLATION, TYPE Ib; CDG Ib; MANNOSEPHOSPHATE ISOMERASE DEFICIENCY; MPI-CDG; PROTEIN-LOSING ENTEROPATHY-HEPATIC FIBROSIS SYNDROME; MPI DEFICIENCY. Identifiers: Orphanet 79319, MedGen C1865145, MONDO:0011257, OMIM 602579.

Submissions (5):

Natera, Inc.
Classification: Likely pathogenic for Congenital disorder of glycosylation type 1b. Last evaluated: 2024-11-11. Review status: criteria provided, single submitter. Criteria: Natera Variant Classification Schema (03/2026). Collection method: clinical testing. Allele origin: germline.
Comment: The c.339_342dupTAAC variant in MPI is a frameshift variant predicted to shift the reading frame and introduce a stop codon. This variant is expected to result in nonsense mediated decay, truncation, or a dysfunctional protein product. This variant is rare in the general population with a frequency below the threshold expected for the associated phenotype(s). Given the available evidence, this variant is classified as Likely Pathogenic.

Fulgent Genetics
Classification: Likely pathogenic for MPI-congenital disorder of glycosylation. Last evaluated: 2024-05-07. Review status: criteria provided, single submitter. Criteria: ACMG Guidelines, 2015. Collection method: clinical testing. Allele origin: germline.

Baylor Genetics
Classification: Likely pathogenic for MPI-congenital disorder of glycosylation. Last evaluated: 2023-10-14. Review status: criteria provided, single submitter. Criteria: ACMG Guidelines, 2015. Collection method: clinical testing. Allele origin: unknown.

Labcorp Genetics (formerly Invitae), Labcorp
Classification: Pathogenic for MPI-congenital disorder of glycosylation. Last evaluated: 2023-07-13. Review status: criteria provided, single submitter. Criteria: Invitae Variant Classification Sherloc (09022015). Collection method: clinical testing. Allele origin: germline.
Comment: ClinVar contains an entry for this variant (Variation ID: 1324729). This variant has not been reported in the literature in individuals affected with MPI-related conditions. This variant is not present in population databases (gnomAD no frequency). This sequence change creates a premature translational stop signal (p.Lys115*) in the MPI gene. It is expected to result in an absent or disrupted protein product. Loss-of-function variants in MPI are known to be pathogenic (PMID: 19862844). For these reasons, this variant has been classified as Pathogenic.

Revvity Omics, Revvity
Classification: Likely pathogenic for MPI-congenital disorder of glycosylation. Last evaluated: 2021-02-09. Review status: criteria provided, single submitter. Criteria: ACMG Guidelines, 2015. Collection method: clinical testing. Allele origin: germline.

Literature cited by the submitters: PubMed 19862844 (cited by Labcorp Genetics (formerly Invitae), Labcorp).